The following is an entry in ClinVar:

NM_007194.4(CHEK2):c.677T>C (p.Leu226Pro)

Gene: CHEK2 (checkpoint kinase 2; minus strand). Cytogenetic location: 22q12.1.
Variant type: single nucleotide variant.
Coding change: c.677T>C on transcript NM_007194.4 (MANE Select); coding-DNA position 677, T replaced by C.
Protein change: p.Leu226Pro; replaces leucine 226 with proline.
Molecular consequence: missense variant. On other transcripts: intron variant (1).
Genome position (GRCh38, 1-based): chr22:28,719,401, A>G on the plus strand (T>C on the coding strand, the complement: CHEK2 is on the minus strand). VCF-style: chr22-28719401-A-G. GRCh37 (hg19) VCF-style: chr22-29115389-A-G.
Other names: c.806T>C, p.Leu269Pro (NM_001005735.3, NM_001438294.1); c.14T>C, p.Leu5Pro (NM_001257387.3, NM_001437942.1); c.770T>C, p.Leu257Pro (NM_001438293.1, NM_001438295.1); c.677T>C, p.Leu226Pro (NM_145862.3); c.482+5485T>C (NM_001349956.3); short protein forms L226P, L5P, L269P, L257P.
Identifiers: ClinVar variation 573315 (VCV000573315.16), dbSNP rs1296957097, ClinGen allele CA411104853.
Genomic context (GRCh38, chr22:28,719,401, plus strand): 5'-ATCACAAATGTATAGTGAAAAAATTAAGTGCATTTATATAAGAAAATAATTTACCTTCCA[A>G]GAGTTTTTGACATGATGTATTCATCTCTTAATGCCTTAGGATAAACTGACTGATCATCTA-3'
Protein context (NP_009125.1, residues 216-236): LRDEYIMSKT[Leu226Pro]GSGACGEVKL

ClinVar aggregate classification (germline): Uncertain significance. Review status: criteria provided, multiple submitters, no conflicts (2 of 4 stars). 4 submissions from 4 submitters: Uncertain significance (4). Last evaluated 2024-08-21.

Conditions:
Hereditary cancer-predisposing syndrome. Also called: Neoplastic Syndromes, Hereditary; Hereditary Cancer Syndrome; Tumor predisposition; Hereditary neoplastic syndrome. Identifiers: Orphanet 140162, MedGen C0027672, MeSH D009386, MONDO:0015356.
Familial cancer of breast. Also called: hereditary breast carcinoma; BREAST CANCER, FAMILIAL; Hereditary breast cancer. Identifiers: Orphanet 227535, MedGen C0346153, MONDO:0016419, OMIM 114480. Disease mechanism: loss of function.

Allele frequency attached by ClinVar (database versions not stated): gnomAD exomes below 0.00001.
gnomAD v4.1: 1 of 1,569,420 alleles (0.000064%); highest among the groups gnomAD compares: South Asian, 0.0012%; no homozygotes.

Submissions (4):

Ambry Genetics
Classification: Uncertain significance for Hereditary cancer-predisposing syndrome. Last evaluated: 2024-08-21. Review status: criteria provided, single submitter. Criteria: Ambry Variant Classification Scheme 2023. Collection method: clinical testing. Allele origin: germline.
Comment: The p.L226P variant (also known as c.677T>C), located in coding exon 4 of the CHEK2 gene, results from a T to C substitution at nucleotide position 677. The leucine at codon 226 is replaced by proline, an amino acid with similar properties. This amino acid position is well conserved in available vertebrate species. In addition, this alteration is predicted to be deleterious by in silico analysis. Based on the available evidence, the clinical significance of this variant remains unclear.

Labcorp Genetics (formerly Invitae), Labcorp
Classification: Uncertain significance for Familial cancer of breast. Last evaluated: 2023-07-10. Review status: criteria provided, single submitter. Criteria: Invitae Variant Classification Sherloc (09022015). Collection method: clinical testing. Allele origin: germline.
Comment: In summary, the available evidence is currently insufficient to determine the role of this variant in disease. Therefore, it has been classified as a Variant of Uncertain Significance. An algorithm developed to predict the effect of missense changes on protein structure and function (PolyPhen-2) suggests that this variant is likely to be disruptive. ClinVar contains an entry for this variant (Variation ID: 573315). This variant has not been reported in the literature in individuals affected with CHEK2-related conditions. The frequency data for this variant in the population databases is considered unreliable, as metrics indicate poor data quality at this position in the gnomAD database. This sequence change replaces leucine, which is neutral and non-polar, with proline, which is neutral and non-polar, at codon 226 of the CHEK2 protein (p.Leu226Pro).

Institute for Clinical Genetics, University Hospital TU Dresden, University Hospital TU Dresden
Classification: Uncertain significance. Last evaluated: 2021-11-03. Review status: criteria provided, single submitter. Criteria: ACMG Guidelines, 2015. Collection method: clinical testing. Allele origin: germline.

Institute of Human Genetics, University of Leipzig Medical Center
Classification: Uncertain significance for Familial cancer of breast. Last evaluated: 2018-04-13. Review status: criteria provided, single submitter. Criteria: ACMG Guidelines, 2015. Collection method: clinical testing. Allele origin: germline. Affected: yes. Observed: 1 variant allele.